The following is an entry in ClinVar:

ClinVar aggregate classification (germline): Conflicting classifications of pathogenicity. Review status: criteria provided, conflicting classifications (1 of 4 stars). 3 submissions from 3 submitters: Uncertain significance (2); Likely benign (1). Last evaluated 2026-03-25.

Conditions:
Cardiovascular phenotype. Identifiers: MedGen CN230736.
Catecholaminergic polymorphic ventricular tachycardia 1. Also called: VENTRICULAR TACHYCARDIA, STRESS-INDUCED POLYMORPHIC 1; VENTRICULAR TACHYCARDIA, CATECHOLAMINERGIC POLYMORPHIC, 1, WITH OR WITHOUT ATRIAL DYSFUNCTION AND/OR DILATED CARDIOMYOPATHY; RYR2-Related Catecholaminergic Polymorphic Ventricular Tachycardia. Identifiers: Orphanet 3286, MedGen C1631597, MONDO:0011484, OMIM 604772.

Allele frequency attached by ClinVar (database versions not stated): gnomAD 0.00001; gnomAD exomes 0.00006; TOPMed 0.00003; ExAC below 0.00001.
gnomAD v4.1: 86 of 1,593,550 alleles (0.0054%); highest among the groups gnomAD compares: Non-Finnish European, 0.0066%; no homozygotes.

Submissions (3):

GeneDx
Classification: Uncertain significance. Last evaluated: 2026-03-25. Review status: criteria provided, single submitter. Criteria: GeneDx Variant Classification Process June 2021. Collection method: clinical testing. Allele origin: germline.
Comment: Not observed at significant frequency in large population cohorts (gnomAD); In silico analysis suggests that this missense variant does not alter protein structure/function; Has not been previously published as pathogenic or benign to our knowledge

Labcorp Genetics (formerly Invitae), Labcorp
Classification: Uncertain significance for Catecholaminergic polymorphic ventricular tachycardia 1. Last evaluated: 2022-08-09. Review status: criteria provided, single submitter. Criteria: Invitae Variant Classification Sherloc (09022015). Collection method: clinical testing. Allele origin: germline.
Comment: This sequence change replaces proline, which is neutral and non-polar, with leucine, which is neutral and non-polar, at codon 304 of the TRDN protein (p.Pro304Leu). The frequency data for this variant in the population databases is considered unreliable, as metrics indicate poor data quality at this position in the gnomAD database. This variant has not been reported in the literature in individuals affected with TRDN-related conditions. ClinVar contains an entry for this variant (Variation ID: 264327). Algorithms developed to predict the effect of missense changes on protein structure and function output the following: SIFT: "Tolerated"; PolyPhen-2: "Benign"; Align-GVGD: "Class C0". The leucine amino acid residue is found in multiple mammalian species, which suggests that this missense change does not adversely affect protein function. In summary, the available evidence is currently insufficient to determine the role of this variant in disease. Therefore, it has been classified as a Variant of Uncertain Significance.

Ambry Genetics
Classification: Likely benign for Cardiovascular phenotype. Last evaluated: 2020-06-15. Review status: criteria provided, single submitter. Criteria: Ambry Variant Classification Scheme 2023. Collection method: clinical testing. Allele origin: germline.

NM_006073.4(TRDN):c.911C>T (p.Pro304Leu)

Genes: TRDN (triadin; minus strand), TRDN-AS1 (TRDN antisense RNA 1; plus strand). Cytogenetic location: 6q22.31.
Variant type: single nucleotide variant.
Coding change: c.911C>T on transcript NM_006073.4 (MANE Select); coding-DNA position 911, C replaced by T.
Protein change: p.Pro304Leu; replaces proline 304 with leucine.
Molecular consequence: missense variant.
Genome position (GRCh38, 1-based): chr6:123,464,926, G>A on the plus strand (C>T on the coding strand, the complement: TRDN is on the minus strand). VCF-style: chr6-123464926-G-A. GRCh37 (hg19) VCF-style: chr6-123786071-G-A.
Other names: c.911C>T, p.Pro304Leu (NM_001251987.2); c.851C>T, p.Pro284Leu (NM_001256020.2); short protein forms P304L, P284L.
Identifiers: ClinVar variation 264327 (VCV000264327.13), dbSNP rs750105528, ClinGen allele CA3984226.